The following is an entry in ClinVar:

ClinVar aggregate classification (germline): Uncertain significance (1 of 4 stars; one submission).

Conditions:
Ehlers-Danlos syndrome, classic type, 1 (EDSCL1). Also called: EHLERS-DANLOS SYNDROME, GRAVIS TYPE; EHLERS-DANLOS SYNDROME, SEVERE CLASSIC TYPE; Ehlers-Danlos syndrome, type 1; Ehlers-Danlos Syndrome, Classic Type, COL5A1-Related; EDS I. Identifiers: MedGen C0268335, MONDO:0019567, OMIM 130000.

Submission:

Labcorp Genetics (formerly Invitae), Labcorp
Classification: Uncertain significance for Ehlers-Danlos syndrome, classic type, 1. Last evaluated: 2024-05-23. Review status: criteria provided, single submitter. Criteria: Invitae Variant Classification Sherloc (09022015). Collection method: clinical testing. Allele origin: germline.
Comment: This sequence change replaces glycine, which is neutral and non-polar, with cysteine, which is neutral and slightly polar, at codon 1246 of the COL5A1 protein (p.Gly1246Cys). This variant is not present in population databases (gnomAD no frequency). This variant has not been reported in the literature in individuals affected with COL5A1-related conditions. Advanced modeling of protein sequence and biophysical properties (such as structural, functional, and spatial information, amino acid conservation, physicochemical variation, residue mobility, and thermodynamic stability) performed at Invitae indicates that this missense variant is expected to disrupt COL5A1 protein function with a positive predictive value of 95%. This variant disrupts the triple helix domain of COL5A1. Glycine residues within the Gly-Xaa-Yaa repeats of the triple helix domain are required for the structure and stability of fibrillar collagens (PMID: 7695699, 8218237, 19344236), and variants at these glycine residues in COL5A1 are more frequently observed in individuals with disease than in the general population (PMID: 22696272, 23587214). However, the clinical significance of this observation remains uncertain since only a limited number of affected individuals have been described to date. In summary, the available evidence is currently insufficient to determine the role of this variant in disease. Therefore, it has been classified as a Variant of Uncertain Significance.

Literature cited by the submitters: PubMed 7695699; PubMed 8218237; PubMed 19344236; PubMed 22696272; PubMed 23587214.

NM_000093.5(COL5A1):c.3736G>T (p.Gly1246Cys)

Gene: COL5A1 (collagen type V alpha 1 chain; plus strand). Cytogenetic location: 9q34.3.
Variant type: single nucleotide variant.
Coding change: c.3736G>T on transcript NM_000093.5 (MANE Select); coding-DNA position 3736, G replaced by T.
Protein change: p.Gly1246Cys; replaces glycine 1246 with cysteine.
Molecular consequence: missense variant.
Genome position (GRCh38, 1-based): chr9:134,812,494, G>T. VCF-style: chr9-134812494-G-T. GRCh37 (hg19) VCF-style: chr9-137704340-G-T.
Other names: c.3736G>T, p.Gly1246Cys (NM_001278074.1); short protein forms G1246C.
Identifiers: ClinVar variation 3718924 (VCV003718924.2).